The following is an entry in ClinVar:

NM_000535.7(PMS2):c.199G>A (p.Glu67Lys)

Gene: PMS2 (PMS1 homolog 2, mismatch repair system component; minus strand). Cytogenetic location: 7p22.1.
Variant type: single nucleotide variant.
Coding change: c.199G>A on transcript NM_000535.7 (MANE Select); coding-DNA position 199, G replaced by A.
Protein change: p.Glu67Lys; replaces glutamic acid 67 with lysine.
Molecular consequence: missense variant. On other transcripts: 5 prime UTR variant (11), non-coding transcript variant (1).
Genome position (GRCh38, 1-based): chr7:6,004,023, C>T on the plus strand (G>A on the coding strand, the complement: PMS2 is on the minus strand). VCF-style: chr7-6004023-C-T. GRCh37 (hg19) VCF-style: chr7-6043654-C-T.
Other names: p.E67K:GAA>AAA; c.-207G>A (NM_001322003.2, NM_001322004.2, NM_001322005.2 and 3 more transcripts); c.199G>A, p.Glu67Lys (NM_001322006.2, NM_001322014.2); c.-17G>A (NM_001322007.2, NM_001322008.2); c.-686G>A (NM_001322011.2, NM_001322012.2); c.-286G>A (NM_001322015.2); short protein forms E67K.
Identifiers: ClinVar variation 182806 (VCV000182806.3), dbSNP rs730881913, ClinGen allele CA010633.

ClinVar aggregate classification (germline): Uncertain significance. Review status: criteria provided, multiple submitters, no conflicts (2 of 4 stars). 2 submissions from 2 submitters: Uncertain significance (2). Last evaluated 2026-08-19.

Conditions:
Hereditary cancer-predisposing syndrome. Also called: Neoplastic Syndromes, Hereditary; Hereditary Cancer Syndrome; Tumor predisposition; Hereditary neoplastic syndrome. Identifiers: Orphanet 140162, MedGen C0027672, MeSH D009386, MONDO:0015356.

Allele frequency attached by ClinVar (database versions not stated): gnomAD exomes below 0.00001; ExAC 0.00001.
gnomAD v4.1: 1 of 1,602,790 alleles (0.000062%); highest among the groups gnomAD compares: South Asian, 0.0011%; no homozygotes.

Submissions (2):

Ambry Genetics
Classification: Uncertain significance for Hereditary cancer-predisposing syndrome. Last evaluated: 2026-08-19. Review status: criteria provided, single submitter. Criteria: Ambry Variant Classification Scheme 2023. Collection method: clinical testing. Allele origin: germline.
Comment: The p.E67K variant (also known as c.199G>A), located in coding exon 3 of the PMS2 gene, results from a G to A substitution at nucleotide position 199. The glutamic acid at codon 67 is replaced by lysine, an amino acid with similar properties. This amino acid position is highly conserved in available vertebrate species. In addition, this alteration is predicted to be deleterious by in silico analysis. Based on the available evidence, the clinical significance of this variant remains unclear.

GeneDx
Classification: Uncertain significance. Last evaluated: 2014-08-26. Review status: criteria provided, single submitter. Criteria: GeneDx Variant Classification (06012015). Collection method: clinical testing. Allele origin: germline. Affected: yes.
Comment: This variant is denoted PMS2 c.199G>A at the cDNA level, p.Glu67Lys (E67K) at the protein level, and results in the change of a Glutamic Acid to a Lysine (GAA>AAA). This variant has not, to our knowledge, been published in the literature as pathogenic or benign. PMS2 Glu67Lys was not observed in approximately 6,500 individuals of European and African American ancestry in the NHLBI Exome Sequencing Project, indicating it is not a common benign variant in these populations. Since Glutamic Acid and Lysine differ in polarity, charge, size or other properties, this is considered a non-conservative amino acid substitution. PMS2 Glu67Lys occurs at a position that is well conserved across species and is located in ATPase domain (Fukui 2011). In silico analyses predict that this variant is probably damaging to protein structure and function. Based on currently available information, it is unclear whether PMS2 Glu67Lys is pathogenic or benign. We consider it to be a variant of uncertain significance.